The following is an entry in ClinVar:

NM_000062.3(SERPING1):c.1058T>C (p.Leu353Pro)

Gene: SERPING1 (serpin family G member 1; plus strand). Cytogenetic location: 11q12.1.
Variant type: single nucleotide variant.
Coding change: c.1058T>C on transcript NM_000062.3 (MANE Select); coding-DNA position 1058, T replaced by C.
Protein change: p.Leu353Pro; replaces leucine 353 with proline.
Molecular consequence: missense variant.
Genome position (GRCh38, 1-based): chr11:57,611,745, T>C. VCF-style: chr11-57611745-T-C. GRCh37 (hg19) VCF-style: chr11-57379218-T-C.
Other names: c.1058T>C, p.Leu353Pro (NM_001032295.2); short protein forms L353P.
Identifiers: ClinVar variation 3255495 (VCV003255495.2), dbSNP rs2495452187.

ClinVar aggregate classification (germline): Likely pathogenic (1 of 4 stars; one submission).

Conditions:
Angioedema. Identifiers: MedGen C0002994, MeSH D000799, MONDO:0010481, HP:0100665.

Submission:

DNA-diagnostics Laboratory, Research Centre For Medical Genetics
Classification: Likely pathogenic for Angioedema. Last evaluated: 2024-07-21. Review status: criteria provided, single submitter. Criteria: ACMG Guidelines, 2015. Collection method: research. Allele origin: germline. Inheritance: Autosomal dominant inheritance. Affected: yes. Observed: 1 heterozygote.
Comment: According to published information of Gösswein et al., 2008, the c.1058T>C variant in SERPING1 meets ACMG/ClinGen SVI guidance criteria to be classified as likely pathogenic: PP3_Str, PP4_Mod, PM2_Sup, PP2

Literature cited by the submitters: PubMed 18758157.